The following is an entry in ClinVar:

ClinVar aggregate classification (germline): Uncertain significance (1 of 4 stars; one submission).

Submission:

CeGaT Center for Human Genetics Tuebingen
Classification: Uncertain significance. Last evaluated: 2023-12-01. Review status: criteria provided, single submitter. Criteria: CeGaT Center For Human Genetics Tuebingen Variant Classification Criteria Version 2. Collection method: clinical testing. Allele origin: germline. Affected: yes. Observed: 1 variant allele.
Comment: NUP160: PM2

NM_015231.3(NUP160):c.3908T>G (p.Leu1303Trp)

Gene: NUP160 (nucleoporin 160; minus strand). Cytogenetic location: 11p11.2.
Variant type: single nucleotide variant.
Coding change: c.3908T>G on transcript NM_015231.3 (MANE Select); coding-DNA position 3908, T replaced by G.
Protein change: p.Leu1303Trp; replaces leucine 1303 with tryptophan.
Molecular consequence: missense variant. On other transcripts: non-coding transcript variant (1).
Genome position (GRCh38, 1-based): chr11:47,783,179, A>C on the plus strand (T>G on the coding strand, the complement: NUP160 is on the minus strand). VCF-style: chr11-47783179-A-C. GRCh37 (hg19) VCF-style: chr11-47804731-A-C.
Other names: short protein forms L1303W.
Identifiers: ClinVar variation 3026879 (VCV003026879.22), dbSNP rs2510178998, ClinGen allele CA380366502.